The following is an entry in ClinVar:

ClinVar aggregate classification (germline): Pathogenic (1 of 4 stars; one submission).

Conditions:
Familial adenomatous polyposis 1 (FAP1). Also called: FAMILIAL ADENOMATOUS POLYPOSIS 1, ATTENUATED; POLYPOSIS, ADENOMATOUS INTESTINAL. Identifiers: MedGen C2713442, MONDO:0021056, OMIM 175100. Disease mechanism: loss of function.

Submission:

Labcorp Genetics (formerly Invitae), Labcorp
Classification: Pathogenic for Familial adenomatous polyposis 1. Last evaluated: 2024-04-24. Review status: criteria provided, single submitter. Criteria: Invitae Variant Classification Sherloc (09022015). Collection method: clinical testing. Allele origin: germline.
Comment: This sequence change creates a premature translational stop signal (p.Ser1327Phefs*5) in the APC gene. While this is not anticipated to result in nonsense mediated decay, it is expected to disrupt the last 1517 amino acid(s) of the APC protein. This variant is not present in population databases (gnomAD no frequency). This variant has not been reported in the literature in individuals affected with APC-related conditions. This variant is expected to disrupt the EB1 and HDLG binding sites, which mediate interactions with the cytoskeleton (PMID: 15311282, 17293347). While functional studies have not been performed to directly test the effect on APC protein function, this suggests that disruption of the C-terminal portion of the protein is functionally important. A different truncation (p.Tyr2645Lysfs*14) that lies downstream of this variant has been determined to be pathogenic (PMID: 9824584, 1316610, 27081525, 8381579, 22135120, Invitae). This suggests that deletion of this region of the APC protein is causative of disease. For these reasons, this variant has been classified as Pathogenic.

Literature cited by the submitters: PubMed 15311282; PubMed 17293347; PubMed 9824584; PubMed 1316610; PubMed 27081525; PubMed 8381579; PubMed 22135120.

NM_000038.6(APC):c.3979dup (p.Ser1327fs)

Gene: APC (APC regulator of Wnt signaling pathway; plus strand). Cytogenetic location: 5q22.2.
Variant type: Duplication.
Coding change: c.3979dup on transcript NM_000038.6 (MANE Select); coding-DNA position 3979, one base duplicated (T; older notation c.3979dupT).
Protein change: p.Ser1327fs; shifts the reading frame from serine 1327.
Molecular consequence: frameshift variant. On other transcripts: non-coding transcript variant (2).
Genome position (GRCh38, 1-based): chr5:112,839,573, T duplicated. VCF-style (leftmost placement, unchanged base first): chr5-112839572-G-GT. GRCh37 (hg19) VCF-style: chr5-112175269-G-GT.
Other names: c.3979dup, p.Ser1327fs (NM_001127510.3, NM_001354895.2, NM_001407450.1); c.3925dup, p.Ser1309fs (NM_001127511.3); c.4033dup, p.Ser1345fs (NM_001354896.2, NM_001407447.1, NM_001407448.1 and 1 more transcripts); c.4009dup, p.Ser1337fs (NM_001354897.2); c.3904dup, p.Ser1302fs (NM_001354898.2); c.3895dup, p.Ser1299fs (NM_001354899.2); c.3856dup, p.Ser1286fs (NM_001354900.2); c.3802dup, p.Ser1268fs (NM_001354901.2, NM_001407453.1); and 11 more; short protein forms S1244fs, S1286fs, S1299fs, S1320fs, S1201fs, S1236fs, S1302fs, S1309fs.
Identifiers: ClinVar variation 3650682 (VCV003650682.2).